The following is an entry in ClinVar:

NM_007294.4(BRCA1):c.2666C>G (p.Ser889Cys)

Gene: BRCA1 (BRCA1 DNA repair associated; minus strand). Cytogenetic location: 17q21.31.
Variant type: single nucleotide variant.
Coding change: c.2666C>G on transcript NM_007294.4 (MANE Select); coding-DNA position 2666, C replaced by G.
Protein change: p.Ser889Cys; replaces serine 889 with cysteine.
Molecular consequence: missense variant. On other transcripts: intron variant (137).
Genome position (GRCh38, 1-based): chr17:43,092,865, G>C on the plus strand (C>G on the coding strand, the complement: BRCA1 is on the minus strand). VCF-style: chr17-43092865-G-C. GRCh37 (hg19) VCF-style: chr17-41244882-G-C.
Other names: c.2525C>G, p.Ser842Cys (NM_001407695.1, NM_001407696.1, NM_001407697.1 and 29 more transcripts); c.2663C>G, p.Ser888Cys (NM_001407615.1, NM_001407587.1, NM_001407590.1 and 22 more transcripts); c.2666C>G, p.Ser889Cys (NM_001407616.1, NM_001407617.1, NM_001407618.1 and 30 more transcripts); c.2453C>G, p.Ser818Cys (NM_001407571.1, NM_001407915.1, NM_001407916.1 and 9 more transcripts); c.2588C>G, p.Ser863Cys (NM_001407656.1, NM_001407657.1, NM_001407658.1 and 4 more transcripts); c.2585C>G, p.Ser862Cys (NM_001407659.1, NM_001407660.1, NM_001407661.1 and 1 more transcripts); c.2543C>G, p.Ser848Cys (NM_001407664.1, NM_001407675.1, NM_001407676.1 and 19 more transcripts); c.2522C>G, p.Ser841Cys (NM_001407740.1, NM_001407741.1, NM_001407742.1 and 20 more transcripts); and 41 more; short protein forms S818C, S819C, S821C, S847C, S863C, S886C, S888C, S593C.
Identifiers: ClinVar variation 4842650 (VCV004842650.1).
Genomic context (GRCh38, chr17:43,092,865, plus strand): 5'-TTTTCTTCCTTTTGTTCACATTCAAAAGTGACTTTTGGACTTTGTTTCTTTAAGGACCCA[G>C]AGTGGGCAGAGAATGTTGCACATTCCTCTTCTGCATTTCCTGGATTTGAAAACGGAGCAA-3'
Protein context (NP_009225.1, residues 879-899): EEECATFSAH[Ser889Cys]GSLKKQSPKV

ClinVar aggregate classification (germline): Uncertain significance (1 of 4 stars; one submission).

Conditions:
Hereditary cancer-predisposing syndrome. Also called: Neoplastic Syndromes, Hereditary; Tumor predisposition; Hereditary Cancer Syndrome; Hereditary neoplastic syndrome. Identifiers: Orphanet 140162, MedGen C0027672, MeSH D009386, MONDO:0015356.

gnomAD v4.1: 1 of 1,613,976 alleles (0.000062%); highest among the groups gnomAD compares: Non-Finnish European, 0.000085%; no homozygotes.

Submission:

Ambry Genetics
Classification: Uncertain significance for Hereditary cancer-predisposing syndrome. Last evaluated: 2025-12-29. Review status: criteria provided, single submitter. Criteria: Ambry Variant Classification Scheme 2023. Collection method: clinical testing. Allele origin: germline.
Comment: The p.S889C variant (also known as c.2666C>G), located in coding exon 9 of the BRCA1 gene, results from a C to G substitution at nucleotide position 2666. The serine at codon 889 is replaced by cysteine, an amino acid with dissimilar properties. This amino acid position is well conserved in available vertebrate species. In addition, the in silico prediction for this alteration is inconclusive. Based on the available evidence, the clinical significance of this variant remains unclear.